The following is an entry in ClinVar:

ClinVar aggregate classification (germline): Pathogenic (1 of 4 stars; one submission).

Submission:

Labcorp Genetics (formerly Invitae), Labcorp
Classification: Pathogenic. Last evaluated: 2021-04-21. Review status: criteria provided, single submitter. Criteria: Invitae Variant Classification Sherloc (09022015). Collection method: clinical testing. Allele origin: germline.
Comment: This sequence change creates a premature translational stop signal (p.Ala755Glyfs*3) in the PCARE gene. It is expected to result in an absent or disrupted protein product. Loss-of-function variants in PCARE are known to be pathogenic (PMID: 20398886, 24339724, 26496393). This variant is not present in population databases (ExAC no frequency). This variant has not been reported in the literature in individuals with PCARE-related conditions. For these reasons, this variant has been classified as Pathogenic.

Literature cited by the submitters: PubMed 20398886; PubMed 24339724; PubMed 26496393.

NM_001029883.3(PCARE):c.2245_2263dup (p.Ala755delinsGlyLeuTer)

Gene: PCARE (photoreceptor cilium actin regulator; minus strand). Cytogenetic location: 2p23.2.
Variant type: Duplication.
Coding change: c.2245_2263dup on transcript NM_001029883.3 (MANE Select); coding-DNA positions 2245 to 2263, 19 bases duplicated (GACTCTAAGGACGCTGGGG).
Protein change: p.Ala755delinsGlyLeuTer.
Molecular consequence: nonsense.
Genome position (GRCh38, 1-based): chr2:29,071,999-29,072,017, CCCCAGCGTCCTTAGAGTC duplicated on the plus strand (GACTCTAAGGACGCTGGGG on the coding strand, the reverse complement: PCARE is on the minus strand); duplicating any 19 consecutive bases within chr2:29,071,999-29,072,024 gives the same sequence; the c. name uses the placement nearest the transcript's 3' end. VCF-style (leftmost placement, unchanged base first): chr2-29071998-G-GCCCCAGCGTCCTTAGAGTC. GRCh37 (hg19) VCF-style: chr2-29294864-G-GCCCCAGCGTCCTTAGAGTC.
Identifiers: ClinVar variation 1454598 (VCV001454598.6), dbSNP rs2148415744, ClinGen allele CA2573134457.